The following is an entry in ClinVar:

NM_000256.3(MYBPC3):c.2715C>A (p.Ser905Arg)

Gene: MYBPC3 (myosin binding protein C3; minus strand). Cytogenetic location: 11p11.2.
Variant type: single nucleotide variant.
Coding change: c.2715C>A on transcript NM_000256.3 (MANE Select); coding-DNA position 2715, C replaced by A.
Protein change: p.Ser905Arg; replaces serine 905 with arginine.
Molecular consequence: missense variant.
Genome position (GRCh38, 1-based): chr11:47,335,899, G>T on the plus strand (C>A on the coding strand, the complement: MYBPC3 is on the minus strand). VCF-style: chr11-47335899-G-T. GRCh37 (hg19) VCF-style: chr11-47357450-G-T.
Other names: short protein forms S905R.
Identifiers: ClinVar variation 1171537 (VCV001171537.4), dbSNP rs759920601, ClinGen allele CA380317126.

ClinVar aggregate classification (germline): Uncertain significance (1 of 4 stars; one submission).

Conditions:
Cardiomyopathy (CMYO). Also called: Cardiomyopathies. Identifiers: Orphanet 167848, MedGen C0878544, MONDO:0004994, HP:0001638. Inheritance: Various modes of inheritance.

Submission:

Color Diagnostics, LLC DBA Color Health
Classification: Uncertain significance for Cardiomyopathy. Last evaluated: 2022-12-26. Review status: criteria provided, single submitter. Criteria: ACMG Guidelines, 2015. Collection method: clinical testing. Allele origin: germline.
Comment: This missense variant replaces serine with arginine at codon 905 of the MYBPC3 protein. Computational prediction suggests that this variant may not impact protein structure and function (internally defined REVEL score threshold <= 0.5, PMID: 27666373). To our knowledge, functional studies have not been reported for this variant. This variant has been reported in individuals affected with hypertrophic cardiomyopathy (PMID: 29875424, 32841044). This variant has not been identified in the general population by the Genome Aggregation Database (gnomAD). The available evidence is insufficient to determine the role of this variant in disease conclusively. Therefore, this variant is classified as a Variant of Uncertain Significance.

Literature cited by the submitters: PubMed 29875424; PubMed 32841044.